The following is an entry in ClinVar:

ClinVar aggregate classification (germline): Uncertain significance (1 of 4 stars; one submission).

gnomAD v4.1: 1 of 1,614,150 alleles (0.000062%); highest among the groups gnomAD compares: South Asian, 0.0011%; no homozygotes.

Submission:

Ambry Genetics
Classification: Uncertain significance. Last evaluated: 2025-04-19. Review status: criteria provided, single submitter. Criteria: Ambry Variant Classification Scheme 2023. Collection method: clinical testing. Allele origin: germline.
Comment: The p.D1017E variant (also known as c.3051T>A), located in coding exon 1 of the TET2 gene, results from a T to A substitution at nucleotide position 3051. The aspartic acid at codon 1017 is replaced by glutamic acid, an amino acid with highly similar properties. This amino acid position is conserved. In addition, this alteration is predicted to be tolerated by in silico analysis. Based on the available evidence, the clinical significance of this variant remains unclear.

NM_001127208.3(TET2):c.3051T>A (p.Asp1017Glu)

Genes: TET2 (tet methylcytosine dioxygenase 2; plus strand), TET2-AS1 (TET2 antisense RNA 1; minus strand). Cytogenetic location: 4q24.
Variant type: single nucleotide variant.
Coding change: c.3051T>A on transcript NM_001127208.3 (MANE Select); coding-DNA position 3051, T replaced by A.
Protein change: p.Asp1017Glu; replaces aspartic acid 1017 with glutamic acid.
Molecular consequence: missense variant.
Genome position (GRCh38, 1-based): chr4:105,236,993, T>A. VCF-style: chr4-105236993-T-A. GRCh37 (hg19) VCF-style: chr4-106158150-T-A.
Other names: c.3051T>A, p.Asp1017Glu (NM_017628.4); short protein forms D1017E.
Identifiers: ClinVar variation 3967576 (VCV003967576.1).